The following is an entry in ClinVar:

NM_002361.4(MAG):c.127C>T (p.Arg43Cys)

Gene: MAG (myelin associated glycoprotein; plus strand). Cytogenetic location: 19q13.12.
Variant type: single nucleotide variant.
Coding change: c.127C>T on transcript NM_002361.4 (MANE Select); coding-DNA position 127, C replaced by T.
Protein change: p.Arg43Cys; replaces arginine 43 with cysteine.
Molecular consequence: missense variant.
Genome position (GRCh38, 1-based): chr19:35,295,693, C>T. VCF-style: chr19-35295693-C-T. GRCh37 (hg19) VCF-style: chr19-35786596-C-T.
Other names: c.52C>T, p.Arg18Cys (NM_001199216.2); c.127C>T, p.Arg43Cys (NM_080600.3); short protein forms R18C, R43C.
Identifiers: ClinVar variation 1471927 (VCV001471927.8), dbSNP rs745533880, ClinGen allele CA9375933.
Genomic context (GRCh38, chr19:35,295,693, plus strand): 5'-GGTGCCTGGATGCCCTCGTCCATCTCGGCCTTCGAAGGCACGTGCGTCTCCATCCCCTGC[C>T]GCTTTGACTTCCCGGATGAGCTGCGGCCCGCTGTGGTGCATGGTGTCTGGTACTTCAATA-3'
Protein context (NP_002352.1, residues 33-53): FEGTCVSIPC[Arg43Cys]FDFPDELRPA

ClinVar aggregate classification (germline): Uncertain significance (1 of 4 stars; one submission).

Conditions:
Hereditary spastic paraplegia 75. Also called: Spastic paraplegia 75, autosomal recessive. Identifiers: Orphanet 459056, MedGen C4225250, MONDO:0014729, OMIM 616680.

Allele frequency attached by ClinVar (database versions not stated): gnomAD 0.00001; TOPMed 0.00001.

Submission:

Labcorp Genetics (formerly Invitae), Labcorp
Classification: Uncertain significance for Hereditary spastic paraplegia 75. Last evaluated: 2022-06-05. Review status: criteria provided, single submitter. Criteria: Invitae Variant Classification Sherloc (09022015). Collection method: clinical testing. Allele origin: germline.
Comment: In summary, the available evidence is currently insufficient to determine the role of this variant in disease. Therefore, it has been classified as a Variant of Uncertain Significance. Algorithms developed to predict the effect of missense changes on protein structure and function are either unavailable or do not agree on the potential impact of this missense change (SIFT: "Deleterious"; PolyPhen-2: "Possibly Damaging"; Align-GVGD: "Class C0"). ClinVar contains an entry for this variant (Variation ID: 1471927). This variant has not been reported in the literature in individuals affected with MAG-related conditions. This variant is present in population databases (rs745533880, gnomAD 0.0009%). This sequence change replaces arginine, which is basic and polar, with cysteine, which is neutral and slightly polar, at codon 43 of the MAG protein (p.Arg43Cys).